The following is an entry in ClinVar:

ClinVar aggregate classification (germline): Likely pathogenic (0 of 4 stars; one submission).

Conditions:
UBR1-related disorder. Also called: UBR1-related condition.

Submission:

PreventionGenetics, part of Exact Sciences
Classification: Likely pathogenic for UBR1-related condition. Last evaluated: 2024-09-27. Review status: no assertion criteria provided. Collection method: clinical testing. Allele origin: germline.
Comment: The UBR1 c.2258dupA variant is predicted to result in a frameshift and premature protein termination (p.Arg754Alafs*26). To our knowledge, this variant has not been reported in the literature or in a large population database, indicating this variant is rare. Frameshift variants in UBR1 are expected to be pathogenic. This variant is interpreted as likely pathogenic.

NM_174916.3(UBR1):c.2258dup (p.Arg754fs)

Gene: UBR1 (ubiquitin protein ligase E3 component n-recognin 1; minus strand). Cytogenetic location: 15q15.2.
Variant type: Duplication.
Coding change: c.2258dup on transcript NM_174916.3 (MANE Select); coding-DNA position 2258, one base duplicated (A; older notation c.2258dupA).
Protein change: p.Arg754fs; shifts the reading frame from arginine 754.
Molecular consequence: frameshift variant.
Genome position (GRCh38, 1-based): chr15:43,030,065, T duplicated on the plus strand (A on the coding strand, the reverse complement: UBR1 is on the minus strand). VCF-style (leftmost placement, unchanged base first): chr15-43030064-C-CT. GRCh37 (hg19) VCF-style: chr15-43322262-C-CT.
Other names: short protein forms R754fs.
Identifiers: ClinVar variation 3354078 (VCV003354078.1).